The following is an entry in ClinVar:

ClinVar aggregate classification (germline): Uncertain significance (1 of 4 stars; one submission).

Allele frequency attached by ClinVar (database versions not stated): gnomAD exomes below 0.00001.
gnomAD v4.1: 5 of 1,612,946 alleles (0.00031%); highest among the groups gnomAD compares: South Asian, 0.0022%; no homozygotes.

Submission:

Labcorp Genetics (formerly Invitae), Labcorp
Classification: Uncertain significance. Last evaluated: 2024-03-07. Review status: criteria provided, single submitter. Criteria: Invitae Variant Classification Sherloc (09022015). Collection method: clinical testing. Allele origin: germline.
Comment: This sequence change replaces serine, which is neutral and polar, with leucine, which is neutral and non-polar, at codon 815 of the CLCN6 protein (p.Ser815Leu). This variant is not present in population databases (gnomAD no frequency). This variant has not been reported in the literature in individuals affected with CLCN6-related conditions. ClinVar contains an entry for this variant (Variation ID: 1966884). An algorithm developed to predict the effect of missense changes on protein structure and function (PolyPhen-2) suggests that this variant is likely to be disruptive. In summary, the available evidence is currently insufficient to determine the role of this variant in disease. Therefore, it has been classified as a Variant of Uncertain Significance.

NM_001286.5(CLCN6):c.2444C>T (p.Ser815Leu)

Gene: CLCN6 (chloride voltage-gated channel 6; plus strand). Cytogenetic location: 1p36.22.
Variant type: single nucleotide variant.
Coding change: c.2444C>T on transcript NM_001286.5 (MANE Select); coding-DNA position 2444, C replaced by T.
Protein change: p.Ser815Leu; replaces serine 815 with leucine.
Molecular consequence: missense variant. On other transcripts: non-coding transcript variant (1).
Genome position (GRCh38, 1-based): chr1:11,838,575, C>T. VCF-style: chr1-11838575-C-T. GRCh37 (hg19) VCF-style: chr1-11898632-C-T.
Other names: c.2378C>T, p.Ser793Leu (NM_001256959.2); short protein forms S793L, S815L.
Identifiers: ClinVar variation 1966884 (VCV001966884.5), dbSNP rs890497348, ClinGen allele CA18004856.
Genomic context (GRCh38, chr1:11,838,575, plus strand): 5'-GACACGTGGTCTCTTTGCAGGATGTCACCCCATACATGAACCCTTCGCCTTTCACCGTCT[C>T]GCCCAACACCCACGTCTCCCAAGTCTTCAACCTGTTCAGAACGATGGGCCTGCGCCACCT-3'
Protein context (NP_001277.2, residues 805-825): PYMNPSPFTV[Ser815Leu]PNTHVSQVFN